The following is an entry in ClinVar:

ClinVar aggregate classification (germline): Conflicting classifications of pathogenicity. Review status: criteria provided, conflicting classifications (1 of 4 stars). 4 submissions from 4 submitters: Pathogenic (1); Likely pathogenic (1); Uncertain significance (2). Last evaluated 2025-10-31.

Conditions:
Biotinidase deficiency. Also called: Biotin deficiency; BTD deficiency; Late-onset biotin-responsive multiple carboxylase deficiency. Identifiers: Orphanet 79241, MedGen C0220754, MONDO:0009665, OMIM 253260.

Allele frequency attached by ClinVar (database versions not stated): gnomAD exomes below 0.00001.
gnomAD v4.1: 2 of 1,614,186 alleles (0.00012%); highest among the groups gnomAD compares: Non-Finnish European, 0.00017%; no homozygotes.

Submissions (4):

Myriad Genetics, Inc.
Classification: Uncertain significance for Biotinidase deficiency. Last evaluated: 2025-10-31. Review status: criteria provided, single submitter. Criteria: Myriad Autosomal Dominant, Autosomal Recessive and X-Linked Classification Criteria (2023). Collection method: clinical testing. Allele origin: unknown.
Comment: NM_000060.2(BTD):c.887T>G(V296G) is a missense variant classified as a variant of uncertain significance in the context of biotinidase deficiency. V296G has been observed in a case with relevant disease (PMID: 12359137). Relevant functional assessments of this variant are not available in the literature. V296G has not been observed in referenced population frequency databases. In summary, there is insufficient evidence to classify NM_000060.2(BTD):c.887T>G(V296G) as pathogenic or benign. Please note: this variant was assessed in the context of healthy population screening.

Women's Health and Genetics/Laboratory Corporation of America, LabCorp
Classification: Uncertain significance. Last evaluated: 2025-10-31. Review status: criteria provided, single submitter. Criteria: LabCorp Variant Classification Summary - May 2015. Collection method: clinical testing. Allele origin: germline.
Comment: Variant summary: BTD c.827T>G (p.Val276Gly) results in a non-conservative amino acid change in the encoded protein sequence. Algorithms developed to predict the effect of missense changes on protein structure and function all suggest that this variant is likely to be disruptive. The variant was absent in 251392 control chromosomes. The available data on variant occurrences in the general population are insufficient to allow any conclusion about variant significance.c.827T>G has been reported in the literature in the presumed compound heterozygous state in at least 1 individual affected with Biotinidase Deficiency (example: Wolf_2002). These data do not allow any conclusion about variant significance. To our knowledge, no experimental evidence demonstrating an impact on protein function has been reported, however the individual in Wolf_2022 was noted to have undetectable enzyme activity. The following publication has been ascertained in the context of this evaluation (PMID: 12359137). ClinVar contains an entry for this variant (Variation ID: 25048). Based on the evidence outlined above, the variant was classified as uncertain significance.

Labcorp Genetics (formerly Invitae), Labcorp
Classification: Likely pathogenic for Biotinidase deficiency. Last evaluated: 2023-11-22. Review status: criteria provided, single submitter. Criteria: Invitae Variant Classification Sherloc (09022015). Collection method: clinical testing. Allele origin: germline.
Comment: This sequence change replaces valine, which is neutral and non-polar, with glycine, which is neutral and non-polar, at codon 296 of the BTD protein (p.Val296Gly). This variant is not present in population databases (gnomAD no frequency). This missense change has been observed in individual(s) with biotinidase deficiency (PMID: 12359137). ClinVar contains an entry for this variant (Variation ID: 25048). Advanced modeling of protein sequence and biophysical properties (such as structural, functional, and spatial information, amino acid conservation, physicochemical variation, residue mobility, and thermodynamic stability) performed at Invitae indicates that this missense variant is expected to disrupt BTD protein function with a positive predictive value of 95%. In summary, the currently available evidence indicates that the variant is pathogenic, but additional data are needed to prove that conclusively. Therefore, this variant has been classified as Likely Pathogenic.

CeGaT Center for Human Genetics Tuebingen
Classification: Pathogenic. Last evaluated: 2021-03-01. Review status: criteria provided, single submitter. Criteria: CeGaT Center For Human Genetics Tuebingen Variant Classification Criteria Version 2. Collection method: clinical testing. Allele origin: germline. Affected: yes. Observed: 2 variant alleles.

Literature cited by the submitters: PubMed 12359137 (cited by 3 submitters).

NM_001370658.1(BTD):c.827T>G (p.Val276Gly)

Gene: BTD (biotinidase; plus strand). Cytogenetic location: 3p25.1.
Variant type: single nucleotide variant.
Coding change: c.827T>G on transcript NM_001370658.1 (MANE Select); coding-DNA position 827, T replaced by G.
Protein change: p.Val276Gly; replaces valine 276 with glycine.
Molecular consequence: missense variant. On other transcripts: intron variant (1).
Genome position (GRCh38, 1-based): chr3:15,644,743, T>G. VCF-style: chr3-15644743-T-G. GRCh37 (hg19) VCF-style: chr3-15686250-T-G.
Other names: c.887T>G, p.Val296Gly (NM_000060.4); c.827T>G, p.Val276Gly (NM_001281723.4, NM_001281724.3, NM_001281725.3 and 18 more transcripts); c.399+2686T>G (NM_001370753.1); short protein forms V276G.
Identifiers: ClinVar variation 25048 (VCV000025048.43), dbSNP rs397514391, ClinGen allele CA278272.